The following is an entry in ClinVar:

NM_001353345.2(SETD1B):c.833G>A (p.Arg278His)

Gene: SETD1B (SET domain containing 1B, histone lysine methyltransferase; plus strand). Cytogenetic location: 12q24.31.
Variant type: single nucleotide variant.
Coding change: c.833G>A on transcript NM_001353345.2 (MANE Select); coding-DNA position 833, G replaced by A.
Protein change: p.Arg278His; replaces arginine 278 with histidine.
Molecular consequence: missense variant.
Genome position (GRCh38, 1-based): chr12:121,809,778, G>A. VCF-style: chr12-121809778-G-A. GRCh37 (hg19) VCF-style: chr12-122247684-G-A.
Other names: short protein forms R278H.
Identifiers: ClinVar variation 4975132 (VCV004975132.1).

ClinVar aggregate classification (germline): Uncertain significance (1 of 4 stars; one submission).

gnomAD v4.1: 3 of 1,551,310 alleles (0.00019%); highest among the groups gnomAD compares: African/African-American, 0.0027%; no homozygotes.

Submission:

GeneDx
Classification: Uncertain significance. Last evaluated: 2026-03-15. Review status: criteria provided, single submitter. Criteria: GeneDx Variant Classification Process June 2021. Collection method: clinical testing. Allele origin: germline.
Comment: Not observed at significant frequency in large population cohorts (gnomAD); In silico analysis supports that this missense variant has a deleterious effect on protein structure/function; Has not been previously published as pathogenic or benign to our knowledge